The following is an entry in ClinVar:

ClinVar aggregate classification (germline): Benign. Review status: criteria provided, multiple submitters, no conflicts (2 of 4 stars). 2 submissions from 2 submitters: Benign (2). Last evaluated 2019-02-11.

Conditions:
Hidrotic ectodermal dysplasia syndrome (GJB6). Also called: Hidrotic ectodermal dysplasia; Ectodermal dysplasia 2, hidrotic; Autosomal dominant hidrotic ectodermal dysplasia; Clouston syndrome; Clouston's hidrotic ectodermal dysplasia; CLOUSTON HIDROTIC ECTODERMAL DYSPLASIA. Identifiers: Orphanet 189, MedGen C0162361, MONDO:0007510, OMIM 129500.

Allele frequency attached by ClinVar (database versions not stated): 1000 Genomes Project 30x 0.02046; gnomAD exomes 0.00299; 1000 Genomes Project 0.01897; gnomAD 0.01970 and 0.02132; TOPMed 0.02270.

Submissions (2):

GeneDx
Classification: Benign. Last evaluated: 2019-02-11. Review status: criteria provided, single submitter. Criteria: GeneDx Variant Classification Process June 2021. Collection method: clinical testing. Allele origin: germline. Affected: yes.

Illumina Laboratory Services, Illumina
Classification: Benign for Hidrotic ectodermal dysplasia syndrome. Last evaluated: 2018-01-12. Review status: criteria provided, single submitter. Criteria: ICSL Variant Classification Criteria 13 December 2019. Collection method: clinical testing. Allele origin: germline.
Comment: This variant was observed in the ICSL laboratory as part of a predisposition screen in an ostensibly healthy population. It had not been previously curated by ICSL or reported in the Human Gene Mutation Database (HGMD: prior to June 1st, 2018), and was therefore a candidate for classification through an automated scoring system. Utilizing variant allele frequency, disease prevalence and penetrance estimates, and inheritance mode, an automated score was calculated to assess if this variant is too frequent to cause the disease. Based on the score and internal cut-off values, a variant classified as benign is not then subjected to further curation. The score for this variant resulted in a classification of benign for this disease.

NM_001110219.3(GJB6):c.*301G>C

Gene: GJB6 (gap junction protein beta 6; minus strand). Cytogenetic location: 13q12.11.
Variant type: single nucleotide variant.
Coding change: c.*301G>C on transcript NM_001110219.3 (MANE Select); 301 bases downstream of the stop codon, G replaced by C.
Molecular consequence: 3 prime UTR variant.
Genome position (GRCh38, 1-based): chr13:20,222,394, C>G on the plus strand (G>C on the coding strand, the complement: GJB6 is on the minus strand). VCF-style: chr13-20222394-C-G. GRCh37 (hg19) VCF-style: chr13-20796533-C-G.
Other names: c.*301G>C (NM_001110220.3, NM_001110221.3, NM_001370090.1 and 3 more transcripts).
Identifiers: ClinVar variation 311377 (VCV000311377.8), dbSNP rs112723181, ClinGen allele CA10643003.